The following is an entry in ClinVar:

ClinVar aggregate classification (germline): Uncertain significance (1 of 4 stars; one submission).

Allele frequency attached by ClinVar (database versions not stated): TOPMed below 0.00001; ExAC 0.00004.
gnomAD v4.1: 12 of 1,599,650 alleles (0.00075%); highest among the groups gnomAD compares: Admixed American, 0.017%; no homozygotes.

Submission:

Labcorp Genetics (formerly Invitae), Labcorp
Classification: Uncertain significance. Last evaluated: 2022-08-22. Review status: criteria provided, single submitter. Criteria: Invitae Variant Classification Sherloc (09022015). Collection method: clinical testing. Allele origin: germline.
Comment: This sequence change replaces proline, which is neutral and non-polar, with leucine, which is neutral and non-polar, at codon 420 of the RIN2 protein (p.Pro420Leu). This variant is present in population databases (rs771265400, gnomAD 0.02%). This variant has not been reported in the literature in individuals affected with RIN2-related conditions. Algorithms developed to predict the effect of missense changes on protein structure and function output the following: SIFT: "Tolerated"; PolyPhen-2: "Not Available"; Align-GVGD: "Class C0". The leucine amino acid residue is found in multiple mammalian species, which suggests that this missense change does not adversely affect protein function. In summary, the available evidence is currently insufficient to determine the role of this variant in disease. Therefore, it has been classified as a Variant of Uncertain Significance.

NM_018993.4(RIN2):c.1259C>T (p.Pro420Leu)

Gene: RIN2 (Ras and Rab interactor 2; plus strand). Cytogenetic location: 20p11.23.
Variant type: single nucleotide variant.
Coding change: c.1259C>T on transcript NM_018993.4 (MANE Select); coding-DNA position 1259, C replaced by T.
Protein change: p.Pro420Leu; replaces proline 420 with leucine.
Molecular consequence: missense variant.
Genome position (GRCh38, 1-based): chr20:19,975,284, C>T. VCF-style: chr20-19975284-C-T. GRCh37 (hg19) VCF-style: chr20-19955928-C-T.
Other names: c.1406C>T, p.Pro469Leu (NM_001242581.2); c.641C>T, p.Pro214Leu (NM_001378238.1); short protein forms P214L, P469L, P420L.
Identifiers: ClinVar variation 1904947 (VCV001904947.2), dbSNP rs771265400, ClinGen allele CA9780049.
Genomic context (GRCh38, chr20:19,975,284, plus strand): 5'-CGCCTGAGGCCGCCCCGGGGGATTGCACAAGGGCCCCGCCGCCCAGCTCTGAATCACGGC[C>T]CCCGTGCCATGGAGGCCGGCAGCGGCTGAGCGACATGAGCATTTCTACTTCCTCCTCCGA-3'
Protein context (NP_061866.1, residues 410-430): RAPPPSSESR[Pro420Leu]PCHGGRQRLS